The following is an entry in ClinVar:

NM_001852.4(COL9A2):c.5C>A (p.Ala2Asp)

Gene: COL9A2 (collagen type IX alpha 2 chain; minus strand). Cytogenetic location: 1p34.2.
Variant type: single nucleotide variant.
Coding change: c.5C>A on transcript NM_001852.4 (MANE Select); coding-DNA position 5, C replaced by A.
Protein change: p.Ala2Asp; replaces alanine 2 with aspartic acid.
Molecular consequence: missense variant.
Genome position (GRCh38, 1-based): chr1:40,317,193, G>T on the plus strand (C>A on the coding strand, the complement: COL9A2 is on the minus strand). VCF-style: chr1-40317193-G-T. GRCh37 (hg19) VCF-style: chr1-40782865-G-T.
Other names: short protein forms A2D.
Identifiers: ClinVar variation 1960638 (VCV001960638.5), dbSNP rs939922562, ClinGen allele CA21042621.
Genomic context (GRCh38, chr1:40,317,193, plus strand): 5'-AGAGCGAGCACTACCACCTGGAGGAGAACAAGGAGGCTGCGGGGGGAGGCCGTAGCGGCG[G>T]CCATGGCTGGCGGCGAGACCAAGGGGGACGGGTGCGTGTCCGCGCACGCACCGACGGCAG-3'
Protein context (NP_001843.1, residues 1-12): M[Ala2Asp]AATASPRSLL

ClinVar aggregate classification (germline): Uncertain significance (1 of 4 stars; one submission).

Allele frequency attached by ClinVar (database versions not stated): TOPMed 0.00002.
gnomAD v4.1: 10 of 1,573,534 alleles (0.00064%); highest among the groups gnomAD compares: East Asian, 0.0024%; no homozygotes.

Submission:

Labcorp Genetics (formerly Invitae), Labcorp
Classification: Uncertain significance. Last evaluated: 2025-06-29. Review status: criteria provided, single submitter. Criteria: Invitae Variant Classification Sherloc (09022015). Collection method: clinical testing. Allele origin: germline.
Comment: This sequence change replaces alanine, which is neutral and non-polar, with aspartic acid, which is acidic and polar, at codon 2 of the COL9A2 protein (p.Ala2Asp). The frequency data for this variant in the population databases is considered unreliable, as metrics indicate poor data quality at this position in the gnomAD database. This variant has not been reported in the literature in individuals affected with COL9A2-related conditions. ClinVar contains an entry for this variant (Variation ID: 1960638). Invitae Evidence Modeling of protein sequence and biophysical properties (such as structural, functional, and spatial information, amino acid conservation, physicochemical variation, residue mobility, and thermodynamic stability) indicates that this missense variant is not expected to disrupt COL9A2 protein function with a negative predictive value of 95%. In summary, the available evidence is currently insufficient to determine the role of this variant in disease. Therefore, it has been classified as a Variant of Uncertain Significance.